The following is an entry in ClinVar:

NM_001605.3(AARS1):c.-1G>C

Gene: AARS1 (alanyl-tRNA synthetase 1; minus strand). Cytogenetic location: 16q22.1.
Variant type: single nucleotide variant.
Coding change: c.-1G>C on transcript NM_001605.3 (MANE Select); 1 bases upstream of the start codon, G replaced by C.
Molecular consequence: 5 prime UTR variant.
Genome position (GRCh38, 1-based): chr16:70,282,764, C>G on the plus strand (G>C on the coding strand, the complement: AARS1 is on the minus strand). VCF-style: chr16-70282764-C-G. GRCh37 (hg19) VCF-style: chr16-70316667-C-G.
Identifiers: ClinVar variation 4999966 (VCV004999966.1).

ClinVar aggregate classification (germline): Likely benign (1 of 4 stars; one submission).

Conditions:
AARS1-related disorder. Also called: AARS1-related condition.

Submission:

PreventionGenetics, part of Exact Sciences
Classification: Likely benign for AARS1-related condition. Last evaluated: 2026-08-03. Review status: criteria provided, single submitter. Criteria: ACMG Guidelines, 2015. Collection method: clinical testing. Allele origin: germline.
Comment: This variant is classified as likely benign based on ACMG/AMP sequence variant interpretation guidelines (Richards et al. 2015 PMID: 25741868, with internal and published modifications).